The following is an entry in ClinVar:

NM_000435.3(NOTCH3):c.3734C>G (p.Thr1245Ser)

Gene: NOTCH3 (notch receptor 3; minus strand). Cytogenetic location: 19p13.12.
Variant type: single nucleotide variant.
Coding change: c.3734C>G on transcript NM_000435.3 (MANE Select); coding-DNA position 3734, C replaced by G.
Protein change: p.Thr1245Ser; replaces threonine 1245 with serine.
Molecular consequence: missense variant.
Genome position (GRCh38, 1-based): chr19:15,178,926, G>C on the plus strand (C>G on the coding strand, the complement: NOTCH3 is on the minus strand). VCF-style: chr19-15178926-G-C. GRCh37 (hg19) VCF-style: chr19-15289737-G-C.
Other names: short protein forms T1245S.
Identifiers: ClinVar variation 930494 (VCV000930494.3), dbSNP rs2046814915, ClinGen allele CA404508129.

ClinVar aggregate classification (germline): Uncertain significance (1 of 4 stars; one submission).

Conditions:
Cerebral arteriopathy, autosomal dominant, with subcortical infarcts and leukoencephalopathy, type 1 (CADASIL1). Also called: Cerebral arteriopathy with subcortical infarcts and leukoencephalopathy 1; CADASIL 1; CASIL; DEMENTIA, HEREDITARY MULTIINFARCT TYPE. Identifiers: Orphanet 136, MedGen C4551768, MONDO:0000914, OMIM 125310.

Submission:

Centre for Mendelian Genomics, University Medical Centre Ljubljana
Classification: Uncertain significance for Cerebral arteriopathy, autosomal dominant, with subcortical infarcts and leukoencephalopathy, type 1. Last evaluated: 2019-05-16. Review status: criteria provided, single submitter. Criteria: ACMG Guidelines, 2015. Collection method: clinical testing. Allele origin: unknown. Affected: yes.
Comment: This variant was classified as: Uncertain significance. The available evidence on this variant's pathogenicity is insufficient or conflicting. The following ACMG criteria were applied in classifying this variant: PM2,PP2,BP4.